The following is an entry in ClinVar:

NM_001122955.4(BSCL2):c.1072G>C (p.Gly358Arg)

Genes: BSCL2 (BSCL2 lipid droplet biogenesis associated, seipin; minus strand), HNRNPUL2-BSCL2 (HNRNPUL2-BSCL2 readthrough (NMD candidate); minus strand). Cytogenetic location: 11q12.3.
Variant type: single nucleotide variant.
Coding change: c.1072G>C on transcript NM_001122955.4 (MANE Select); coding-DNA position 1072, G replaced by C.
Protein change: p.Gly358Arg; replaces glycine 358 with arginine.
Molecular consequence: missense variant. On other transcripts: non-coding transcript variant (1).
Genome position (GRCh38, 1-based): chr11:62,691,075, C>G on the plus strand (G>C on the coding strand, the complement: BSCL2 is on the minus strand). VCF-style: chr11-62691075-C-G. GRCh37 (hg19) VCF-style: chr11-62458547-C-G.
Other names: c.738G>C, p.Gln246His (NM_001130702.2); c.1072G>C, p.Gly358Arg (NM_001386027.1, NM_001386028.1); c.880G>C, p.Gly294Arg (NM_032667.6); short protein forms G294R, G358R, Q246H.
Identifiers: ClinVar variation 3728013 (VCV003728013.2).
Genomic context (GRCh38, chr11:62,691,075, plus strand): 5'-TTCTGGCCCAGCCCAGCTCAACCTAGCCCACCTCAACAGCTCCCCAGCCAACACCTTTAC[C>G]TGGCTGATGAGCAGAGATCCTTCGTTGGACTTCCTTCCGGGAATTGTCTCTTTTTCGGAT-3'
Protein context (NP_001116427.1, residues 348-368): VQRRISAHQP[Gly358Arg]PEGQEESTPQ

ClinVar aggregate classification (germline): Uncertain significance (1 of 4 stars; one submission).

Conditions:
Charcot-Marie-Tooth disease type 2. Also called: Charcot-Marie-Tooth type 2. Identifiers: Orphanet 64746, MedGen C0270914, MONDO:0018993.

Submission:

Labcorp Genetics (formerly Invitae), Labcorp
Classification: Uncertain significance for Charcot-Marie-Tooth disease type 2. Last evaluated: 2024-12-28. Review status: criteria provided, single submitter. Criteria: Invitae Variant Classification Sherloc (09022015). Collection method: clinical testing. Allele origin: germline.
Comment: This sequence change replaces glycine, which is neutral and non-polar, with arginine, which is basic and polar, at codon 294 of the BSCL2 protein (p.Gly294Arg). This variant also falls at the last nucleotide of exon 8, which is part of the consensus splice site for this exon. This variant is not present in population databases (gnomAD no frequency). This variant has not been reported in the literature in individuals affected with BSCL2-related conditions. An algorithm developed to predict the effect of missense changes on protein structure and function (PolyPhen-2) suggests that this variant is likely to be tolerated. Variants that disrupt the consensus splice site are a relatively common cause of aberrant splicing (PMID: 17576681, 9536098). Algorithms developed to predict the effect of sequence changes on RNA splicing suggest that this variant may disrupt the consensus splice site. In summary, the available evidence is currently insufficient to determine the role of this variant in disease. Therefore, it has been classified as a Variant of Uncertain Significance.

Literature cited by the submitters: PubMed 17576681; PubMed 9536098.